The following is an entry in ClinVar:

NM_004281.4(BAG3):c.556G>C (p.Ala186Pro)

Gene: BAG3 (BAG cochaperone 3; plus strand). Cytogenetic location: 10q26.11.
Variant type: single nucleotide variant.
Coding change: c.556G>C on transcript NM_004281.4 (MANE Select); coding-DNA position 556, G replaced by C.
Protein change: p.Ala186Pro; replaces alanine 186 with proline.
Molecular consequence: missense variant.
Genome position (GRCh38, 1-based): chr10:119,672,303, G>C. VCF-style: chr10-119672303-G-C. GRCh37 (hg19) VCF-style: chr10-121431815-G-C.
Other names: short protein forms A186P.
Identifiers: ClinVar variation 1404506 (VCV001404506.6), dbSNP rs2134064990, ClinGen allele CA378295332.

ClinVar aggregate classification (germline): Uncertain significance (1 of 4 stars; one submission).

Conditions:
Dilated cardiomyopathy 1HH (CMD1HH). Identifiers: Orphanet 154, MedGen C3151293, MONDO:0013479, OMIM 613881.
Myofibrillar myopathy 6. Identifiers: Orphanet 199340, MedGen C2751831, MONDO:0013061, OMIM 612954.

Submission:

Labcorp Genetics (formerly Invitae), Labcorp
Classification: Uncertain significance for Dilated cardiomyopathy 1HH; Myofibrillar myopathy 6. Last evaluated: 2022-07-05. Review status: criteria provided, single submitter. Criteria: Invitae Variant Classification Sherloc (09022015). Collection method: clinical testing. Allele origin: germline.
Comment: This sequence change replaces alanine, which is neutral and non-polar, with proline, which is neutral and non-polar, at codon 186 of the BAG3 protein (p.Ala186Pro). In summary, the available evidence is currently insufficient to determine the role of this variant in disease. Therefore, it has been classified as a Variant of Uncertain Significance. Algorithms developed to predict the effect of sequence changes on RNA splicing suggest that this variant may create or strengthen a splice site. Algorithms developed to predict the effect of missense changes on protein structure and function are either unavailable or do not agree on the potential impact of this missense change (SIFT: "Tolerated"; PolyPhen-2: "Probably Damaging"; Align-GVGD: "Class C0"). ClinVar contains an entry for this variant (Variation ID: 1404506). This variant has not been reported in the literature in individuals affected with BAG3-related conditions. This variant is not present in population databases (gnomAD no frequency).